The following is an entry in ClinVar:

NM_001458.5(FLNC):c.4272G>C (p.Gly1424=)

Gene: FLNC (filamin C; plus strand). Cytogenetic location: 7q32.1.
Variant type: single nucleotide variant.
Coding change: c.4272G>C on transcript NM_001458.5 (MANE Select); coding-DNA position 4272, G replaced by C.
Protein change: p.Gly1424=; no amino-acid change (glycine 1424 retained).
Molecular consequence: synonymous variant.
Genome position (GRCh38, 1-based): chr7:128,846,889, G>C. VCF-style: chr7-128846889-G-C. GRCh37 (hg19) VCF-style: chr7-128486943-G-C.
Other names: c.4272G>C, p.Gly1424= (NM_001127487.2).
Identifiers: ClinVar variation 1739270 (VCV001739270.8), dbSNP rs759650097, ClinGen allele CA4475280.

ClinVar aggregate classification (germline): Likely benign. Review status: criteria provided, multiple submitters, no conflicts (2 of 4 stars). 3 submissions from 3 submitters: Likely benign (3). Last evaluated 2025-09-15.

Conditions:
Hypertrophic cardiomyopathy 26. Also called: Cardiomyopathy, familial hypertrophic, 26. Identifiers: Orphanet 75249, MedGen C4310749, MONDO:0014883, OMIM 617047.
Distal myopathy with posterior leg and anterior hand involvement. Also called: WILLIAMS DISTAL MYOPATHY. Identifiers: Orphanet 63273, MedGen C3279722, MONDO:0013550, OMIM 614065.
Myofibrillar myopathy 5. Also called: Filaminopathy (type); FILAMINOPATHY, AUTOSOMAL DOMINANT. Identifiers: Orphanet 171445, MedGen C1836050, MONDO:0012289, OMIM 609524.
FLNC-related disorder. Also called: FLNC-related disorders; FLNC-related condition.
Cardiovascular phenotype. Identifiers: MedGen CN230736.

Allele frequency attached by ClinVar (database versions not stated): gnomAD exomes below 0.00001; TOPMed 0.00001.
gnomAD v4.1: 2 of 1,614,192 alleles (0.00012%); highest among the groups gnomAD compares: South Asian, 0.0011%; no homozygotes.

Submissions (3):

PreventionGenetics, part of Exact Sciences
Classification: Likely benign for FLNC-related condition. Last evaluated: 2025-09-15. Review status: criteria provided, single submitter. Criteria: ACMG Guidelines, 2015. Collection method: clinical testing. Allele origin: germline.
Comment: This variant is classified as likely benign based on ACMG/AMP sequence variant interpretation guidelines (Richards et al. 2015 PMID: 25741868, with internal and published modifications).

Labcorp Genetics (formerly Invitae), Labcorp
Classification: Likely benign for Distal myopathy with posterior leg and anterior hand involvement; Myofibrillar myopathy 5; Hypertrophic cardiomyopathy 26. Last evaluated: 2023-04-28. Review status: criteria provided, single submitter. Criteria: Invitae Variant Classification Sherloc (09022015). Collection method: clinical testing. Allele origin: germline.

Ambry Genetics
Classification: Likely benign for Cardiovascular phenotype. Last evaluated: 2022-01-30. Review status: criteria provided, single submitter. Criteria: Ambry Variant Classification Scheme 2023. Collection method: clinical testing. Allele origin: germline.